The following is an entry in ClinVar:

ClinVar aggregate classification (germline): Likely benign (1 of 4 stars; one submission).

Submission:

CeGaT Center for Human Genetics Tuebingen
Classification: Likely benign. Last evaluated: 2023-11-01. Review status: criteria provided, single submitter. Criteria: CeGaT Center For Human Genetics Tuebingen Variant Classification Criteria Version 2. Collection method: clinical testing. Allele origin: germline. Affected: yes. Observed: 1 variant allele.
Comment: NEFH: BP4, BP7

NM_021076.4(NEFH):c.1722T>C (p.Ser574=)

Gene: NEFH (neurofilament heavy chain; plus strand). Cytogenetic location: 22q12.2.
Variant type: single nucleotide variant.
Coding change: c.1722T>C on transcript NM_021076.4 (MANE Select); coding-DNA position 1722, T replaced by C.
Protein change: p.Ser574=; no amino-acid change (serine 574 retained).
Molecular consequence: synonymous variant.
Genome position (GRCh38, 1-based): chr22:29,489,362, T>C. VCF-style: chr22-29489362-T-C. GRCh37 (hg19) VCF-style: chr22-29885351-T-C.
Identifiers: ClinVar variation 2672902 (VCV002672902.23), dbSNP rs1431016074, ClinGen allele CA514269002.